The following is an entry in ClinVar:

ClinVar aggregate classification (germline): Uncertain significance (1 of 4 stars; one submission).

Conditions:
Thrombophilia due to protein C deficiency, autosomal dominant. Also called: PROC DEFICIENCY, AUTOSOMAL DOMINANT; PROTEIN C DEFICIENCY, AUTOSOMAL DOMINANT. Identifiers: Orphanet 745, MedGen C2674321, MONDO:0008316, OMIM 176860. Disease mechanism: loss of function.

Allele frequency attached by ClinVar (database versions not stated): gnomAD 0.00001; gnomAD exomes 0.00001; TOPMed 0.00001; ExAC 0.00003.
gnomAD v4.1: 23 of 1,613,274 alleles (0.0014%); highest among the groups gnomAD compares: South Asian, 0.0044%; no homozygotes.

Submission:

Labcorp Genetics (formerly Invitae), Labcorp
Classification: Uncertain significance for Thrombophilia due to protein C deficiency, autosomal dominant. Last evaluated: 2025-10-13. Review status: criteria provided, single submitter. Criteria: Invitae Variant Classification Sherloc (09022015). Collection method: clinical testing. Allele origin: germline.
Comment: This sequence change replaces arginine, which is basic and polar, with tryptophan, which is neutral and slightly polar, at codon 394 of the PROC protein (p.Arg394Trp). This variant is present in population databases (rs759316085, gnomAD 0.007%). This missense change has been observed in individual(s) with clinical features of protein C deficiency (PMID: 7831652). This variant is also known as 352 Arg to Trp at nucleotide 8769. ClinVar contains an entry for this variant (Variation ID: 2201030). Invitae Evidence Modeling of protein sequence and biophysical properties (such as structural, functional, and spatial information, amino acid conservation, physicochemical variation, residue mobility, and thermodynamic stability) has been performed for this missense variant. However, the output from this modeling did not meet the statistical confidence thresholds required to predict the impact of this variant on PROC protein function. In summary, the available evidence is currently insufficient to determine the role of this variant in disease. Therefore, it has been classified as a Variant of Uncertain Significance.

Literature cited by the submitters: PubMed 7831652.

NM_000312.4(PROC):c.1180C>T (p.Arg394Trp)

Gene: PROC (protein C, inactivator of coagulation factors Va and VIIIa; plus strand). Cytogenetic location: 2q14.3.
Variant type: single nucleotide variant.
Coding change: c.1180C>T on transcript NM_000312.4 (MANE Select); coding-DNA position 1180, C replaced by T.
Protein change: p.Arg394Trp; replaces arginine 394 with tryptophan.
Molecular consequence: missense variant.
Genome position (GRCh38, 1-based): chr2:127,428,740, C>T. VCF-style: chr2-127428740-C-T. GRCh37 (hg19) VCF-style: chr2-128186316-C-T.
Other names: c.1363C>T, p.Arg455Trp (NM_001375602.1); c.1345C>T, p.Arg449Trp (NM_001375603.1); c.1243C>T, p.Arg415Trp (NM_001375604.1); c.1282C>T, p.Arg428Trp (NM_001375605.1); c.1348C>T, p.Arg450Trp (NM_001375606.1); c.1366C>T, p.Arg456Trp (NM_001375607.1); c.1123C>T, p.Arg375Trp (NM_001375608.1); c.1156C>T, p.Arg386Trp (NM_001375609.1); and 2 more; short protein forms R392W, R394W, R449W, R455W, R456W, R375W, R386W, R415W.
Identifiers: ClinVar variation 2201030 (VCV002201030.2), dbSNP rs759316085, ClinGen allele CA1859539.